The following is an entry in ClinVar:

NM_000384.3(APOB):c.3032T>C (p.Ile1011Thr)

Gene: APOB (apolipoprotein B; minus strand). Cytogenetic location: 2p24.1.
Variant type: single nucleotide variant.
Coding change: c.3032T>C on transcript NM_000384.3 (MANE Select); coding-DNA position 3032, T replaced by C.
Protein change: p.Ile1011Thr; replaces isoleucine 1011 with threonine.
Molecular consequence: missense variant.
Genome position (GRCh38, 1-based): chr2:21,019,081, A>G on the plus strand (T>C on the coding strand, the complement: APOB is on the minus strand). VCF-style: chr2-21019081-A-G. GRCh37 (hg19) VCF-style: chr2-21241953-A-G.
Other names: short protein forms I1011T.
Identifiers: ClinVar variation 630328 (VCV000630328.7), dbSNP rs760691684, ClinGen allele CA057805.

ClinVar aggregate classification (germline): Uncertain significance. Review status: criteria provided, multiple submitters, no conflicts (2 of 4 stars). 3 submissions from 3 submitters: Uncertain significance (3). Last evaluated 2025-12-01.

Conditions:
Cardiovascular phenotype. Identifiers: MedGen CN230736.
Familial hypobetalipoproteinemia 1. Also called: Hypobetalipoproteinemia, normotriglyceridemic; Acanthocytosis with hypobetalipoproteinemia; APOB-Related Familial Hypobetalipoproteinemia. Identifiers: MedGen C4551990, MONDO:0014252, OMIM 615558.

Allele frequency attached by ClinVar (database versions not stated): gnomAD exomes below 0.00001 and 0.00001; ExAC 0.00002.

Submissions (3):

Ambry Genetics
Classification: Uncertain significance for Cardiovascular phenotype. Last evaluated: 2025-12-01. Review status: criteria provided, single submitter. Criteria: Ambry Variant Classification Scheme 2023. Collection method: clinical testing. Allele origin: germline.
Comment: The p.I1011T variant (also known as c.3032T>C), located in coding exon 20 of the APOB gene, results from a T to C substitution at nucleotide position 3032. The isoleucine at codon 1011 is replaced by threonine, an amino acid with similar properties. This amino acid position is conserved. In addition, this alteration is predicted to be tolerated by in silico analysis. Based on the available evidence, the clinical significance of this variant remains unclear.

Genomic Medicine Center of Excellence, King Faisal Specialist Hospital and Research Centre
Classification: Uncertain significance for Familial hypobetalipoproteinemia 1. Last evaluated: 2025-09-10. Review status: criteria provided, single submitter. Criteria: ACMG Guidelines, 2015. Collection method: clinical testing. Allele origin: germline.

Blueprint Genetics
Classification: Uncertain significance. Last evaluated: 2023-10-09. Review status: criteria provided, single submitter. Criteria: ACMG Guidelines, 2015. Collection method: clinical testing. Allele origin: germline.